The following is an entry in ClinVar:

ClinVar aggregate classification (germline): Conflicting classifications of pathogenicity. Review status: criteria provided, conflicting classifications (1 of 4 stars). 11 submissions from 5 submitters: Uncertain significance (1); Benign (6); Likely benign (2). 2 of the submissions do not count toward it. Last evaluated 2026-01-19.

Conditions:
Stiff skin syndrome (SSKS). Identifiers: Orphanet 2833, MedGen C1861456, MONDO:0008492, OMIM 184900.
Weill-Marchesani syndrome. Also called: WM Syndrome; Mesodermal dysmorphodystrophy congenital. Identifiers: Orphanet 3449, MedGen C0265313, MONDO:0018096.
Marfan syndrome (MFS). Also called: Marfan syndrome type 1; Marfan's syndrome; MARFAN SYNDROME, TYPE I; Marfan syndrome, classic; FBN1-Related Marfan Syndrome. Identifiers: Orphanet 284963, Orphanet 558, MedGen C0024796, MONDO:0007947, OMIM 154700.
Familial thoracic aortic aneurysm and aortic dissection (TAAD). Also called: Thoracic aortic aneurysms and dissections. Identifiers: Orphanet 91387, MedGen C4707243, MONDO:0019625.
Acromicric dysplasia (ACMICD). Also called: Acromicric skeletal dysplasia. Identifiers: Orphanet 969, MedGen C0265287, MONDO:0007055, OMIM 102370.
FBN1-related disorder. Also called: FBN1-related disorders.
Geleophysic dysplasia. Identifiers: Orphanet 2623, MedGen C3489726, MONDO:0000127.
Ectopia lentis 1, isolated, autosomal dominant (ECTOL1). Identifiers: Orphanet 1885, MedGen C3541518, MONDO:0007514, OMIM 129600.

Allele frequency attached by ClinVar (database versions not stated): gnomAD 0.00004 and 0.00001; TOPMed 0.00006; 1000 Genomes Project 30x 0.00047; 1000 Genomes Project 0.00040.
gnomAD v4.1: 60 of 1,613,740 alleles (0.0037%); highest among the groups gnomAD compares: East Asian, 0.11%; no homozygotes.

Submissions (11):

Labcorp Genetics (formerly Invitae), Labcorp
Classification: Benign for Marfan syndrome; Familial thoracic aortic aneurysm and aortic dissection. Last evaluated: 2026-01-19. Review status: criteria provided, single submitter. Criteria: Invitae Variant Classification Sherloc (09022015). Collection method: clinical testing. Allele origin: germline.

Illumina Laboratory Services, Illumina
Classification: Likely benign for Marfan syndrome. Last evaluated: 2018-01-13. Review status: criteria provided, single submitter. Criteria: ICSL Variant Classification Criteria 13 December 2019. Collection method: clinical testing. Allele origin: germline.
Comment: This variant was observed in the ICSL laboratory as part of a predisposition screen in an ostensibly healthy population. It had not been previously curated by ICSL or reported in the Human Gene Mutation Database (HGMD: prior to June 1st, 2018), and was therefore a candidate for classification through an automated scoring system. Utilizing variant allele frequency, disease prevalence and penetrance estimates, and inheritance mode, an automated score was calculated to assess if this variant is too frequent to cause the disease. Based on the score and internal cut-off values, a variant classified as likely benign is not then subjected to further curation. The score for this variant resulted in a classification of likely benign for this disease.

Illumina Laboratory Services, Illumina
Classification: Benign for Ectopia lentis 1, isolated, autosomal dominant. Last evaluated: 2018-01-13. Review status: criteria provided, single submitter. Criteria: ICSL Variant Classification Criteria 13 December 2019. Collection method: clinical testing. Allele origin: germline.
Comment: This variant was observed in the ICSL laboratory as part of a predisposition screen in an ostensibly healthy population. It had not been previously curated by ICSL or reported in the Human Gene Mutation Database (HGMD: prior to June 1st, 2018), and was therefore a candidate for classification through an automated scoring system. Utilizing variant allele frequency, disease prevalence and penetrance estimates, and inheritance mode, an automated score was calculated to assess if this variant is too frequent to cause the disease. Based on the score and internal cut-off values, a variant classified as benign is not then subjected to further curation. The score for this variant resulted in a classification of benign for this disease.

Illumina Laboratory Services, Illumina
Classification: Benign for Acromicric dysplasia. Last evaluated: 2018-01-13. Review status: criteria provided, single submitter. Criteria: ICSL Variant Classification Criteria 13 December 2019. Collection method: clinical testing. Allele origin: germline.
Comment: the same text as in the submission from Illumina Laboratory Services, Illumina above.

Illumina Laboratory Services, Illumina
Classification: Benign for Geleophysic dysplasia. Last evaluated: 2018-01-13. Review status: criteria provided, single submitter. Criteria: ICSL Variant Classification Criteria 13 December 2019. Collection method: clinical testing. Allele origin: germline.
Comment: the same text as in the submission from Illumina Laboratory Services, Illumina above.

Illumina Laboratory Services, Illumina
Classification: Benign for Weill-Marchesani syndrome. Last evaluated: 2018-01-13. Review status: criteria provided, single submitter. Criteria: ICSL Variant Classification Criteria 13 December 2019. Collection method: clinical testing. Allele origin: germline.
Comment: the same text as in the submission from Illumina Laboratory Services, Illumina above.

Illumina Laboratory Services, Illumina
Classification: Benign for Stiff skin syndrome. Last evaluated: 2018-01-13. Review status: criteria provided, single submitter. Criteria: ICSL Variant Classification Criteria 13 December 2019. Collection method: clinical testing. Allele origin: germline.
Comment: the same text as in the submission from Illumina Laboratory Services, Illumina above.

Illumina Laboratory Services, Illumina
Classification: Uncertain significance for Familial thoracic aortic aneurysm and aortic dissection. Last evaluated: 2018-01-13. Review status: criteria provided, single submitter. Criteria: ICSL Variant Classification Criteria 13 December 2019. Collection method: clinical testing. Allele origin: germline.

GeneDx
Classification: Likely benign. Last evaluated: 2016-01-06. Review status: criteria provided, single submitter. Criteria: GeneDx Variant Classification (06012015). Collection method: clinical testing. Allele origin: germline. Affected: yes.
Comment: This variant is considered likely benign or benign based on one or more of the following criteria: it is a conservative change, it occurs at a poorly conserved position in the protein, it is predicted to be benign by multiple in silico algorithms, and/or has population frequency not consistent with disease.

PreventionGenetics, part of Exact Sciences
Classification: Likely benign for FBN1-related condition. Last evaluated: 2021-06-02. Review status: no assertion criteria provided. Collection method: clinical testing. Allele origin: germline. Not counted in ClinVar's aggregate classification.
Comment: This variant is classified as likely benign based on ACMG/AMP sequence variant interpretation guidelines (Richards et al. 2015 PMID: 25741868, with internal and published modifications).

Center for Medical Genetics Ghent, University of Ghent
Classification: Likely benign for Marfan syndrome. Last evaluated: 2017-11-07. Review status: no assertion criteria provided. Collection method: clinical testing. Allele origin: germline. Affected: yes. Not counted in ClinVar's aggregate classification.

NM_000138.5(FBN1):c.1837+9T>C

Gene: FBN1 (fibrillin 1; minus strand). Cytogenetic location: 15q21.1.
Variant type: single nucleotide variant.
Coding change: c.1837+9T>C on transcript NM_000138.5 (MANE Select); 9 bases into the intron after coding-DNA position 1837, T replaced by C.
Molecular consequence: intron variant.
Genome position (GRCh38, 1-based): chr15:48,508,573, A>G on the plus strand (T>C on the coding strand, the complement: FBN1 is on the minus strand). VCF-style: chr15-48508573-A-G. GRCh37 (hg19) VCF-style: chr15-48800770-A-G.
Identifiers: ClinVar variation 316383 (VCV000316383.19), dbSNP rs56102085, ClinGen allele CA046073.
Genomic context (GRCh38, chr15:48,508,573, plus strand): 5'-TACCTCTAAACAACATAAGGAGGAGAAAAGGCACGTGAAGAACATGATCTAGGGTTTTAT[A>G]GCACGAACCTTTGCAATAACGTCCATCTGATGCCAGCTGGAATCCAGGTTTGCAAATACA-3'